The following is an entry in ClinVar:

NM_001283009.2(RTEL1):c.3622C>G (p.Pro1208Ala)

Genes: RTEL1 (regulator of telomere elongation helicase 1; plus strand), RTEL1-TNFRSF6B (RTEL1-TNFRSF6B readthrough (NMD candidate); plus strand). Cytogenetic location: 20q13.33.
Variant type: single nucleotide variant.
Coding change: c.3622C>G on transcript NM_001283009.2 (MANE Select); coding-DNA position 3622, C replaced by G.
Protein change: p.Pro1208Ala; replaces proline 1208 with alanine.
Molecular consequence: missense variant. On other transcripts: non-coding transcript variant (1).
Genome position (GRCh38, 1-based): chr20:63,695,450, C>G. VCF-style: chr20-63695450-C-G. GRCh37 (hg19) VCF-style: chr20-62326803-C-G.
Other names: c.2953C>G, p.Pro985Ala (NM_001283010.1); c.3622C>G, p.Pro1208Ala (NM_016434.4); c.3694C>G, p.Pro1232Ala (NM_032957.5); short protein forms P1208A, P1232A, P985A.
Identifiers: ClinVar variation 3948423 (VCV003948423.1).

ClinVar aggregate classification (germline): Uncertain significance (1 of 4 stars; one submission).

Conditions:
Inborn genetic diseases. Identifiers: MedGen C0950123, MeSH D030342.

Submission:

Ambry Genetics
Classification: Uncertain significance for Inborn genetic diseases. Last evaluated: 2025-05-25. Review status: criteria provided, single submitter. Criteria: Ambry Variant Classification Scheme 2023. Collection method: clinical testing. Allele origin: germline.
Comment: The p.P1208A variant (also known as c.3622C>G), located in coding exon 33 of the RTEL1 gene, results from a C to G substitution at nucleotide position 3622. The proline at codon 1208 is replaced by alanine, an amino acid with highly similar properties. This amino acid position is conserved. In addition, this alteration is predicted to be tolerated by in silico analysis. Based on the available evidence, the clinical significance of this variant remains unclear.